The following is an entry in ClinVar:

ClinVar aggregate classification (germline): Uncertain significance. Review status: criteria provided, multiple submitters, no conflicts (2 of 4 stars). 2 submissions from 2 submitters: Uncertain significance (2). Last evaluated 2023-11-27.

Conditions:
Inborn genetic diseases. Identifiers: MedGen C0950123, MeSH D030342.

Allele frequency attached by ClinVar (database versions not stated): gnomAD 0.00002; gnomAD exomes 0.00002; TOPMed 0.00004; ESP Exome Variant Server 0.00009.
gnomAD v4.1: 20 of 1,204,472 alleles (0.0017%); highest among the groups gnomAD compares: Non-Finnish European, 0.0022%; no homozygotes.

Submissions (2):

Labcorp Genetics (formerly Invitae), Labcorp
Classification: Uncertain significance. Last evaluated: 2023-11-27. Review status: criteria provided, single submitter. Criteria: Invitae Variant Classification Sherloc (09022015). Collection method: clinical testing. Allele origin: germline.
Comment: This sequence change replaces methionine, which is neutral and non-polar, with isoleucine, which is neutral and non-polar, at codon 576 of the CACNA1F protein (p.Met576Ile). This variant is present in population databases (rs372583596, gnomAD 0.001%). This variant has not been reported in the literature in individuals affected with CACNA1F-related conditions. ClinVar contains an entry for this variant (Variation ID: 1987042). Advanced modeling of protein sequence and biophysical properties (such as structural, functional, and spatial information, amino acid conservation, physicochemical variation, residue mobility, and thermodynamic stability) performed at Invitae indicates that this missense variant is expected to disrupt CACNA1F protein function with a positive predictive value of 80%. In summary, the available evidence is currently insufficient to determine the role of this variant in disease. Therefore, it has been classified as a Variant of Uncertain Significance.

Ambry Genetics
Classification: Uncertain significance for Inborn genetic diseases. Last evaluated: 2022-12-28. Review status: criteria provided, single submitter. Criteria: Ambry Variant Classification Scheme 2023. Collection method: clinical testing. Allele origin: germline.

NM_001256789.3(CACNA1F):c.1695G>A (p.Met565Ile)

Gene: CACNA1F (calcium voltage-gated channel subunit alpha1 F; minus strand). Cytogenetic location: Xp11.23.
Variant type: single nucleotide variant.
Coding change: c.1695G>A on transcript NM_001256789.3 (MANE Select); coding-DNA position 1695, G replaced by A.
Protein change: p.Met565Ile; replaces methionine 565 with isoleucine.
Molecular consequence: missense variant.
Genome position (GRCh38, 1-based): chrX:49,224,943, C>T on the plus strand (G>A on the coding strand, the complement: CACNA1F is on the minus strand). VCF-style: chrX-49224943-C-T. GRCh37 (hg19) VCF-style: chrX-49081405-C-T.
Other names: c.1533G>A, p.Met511Ile (NM_001256790.3); c.1728G>A, p.Met576Ile (NM_005183.4); short protein forms M565I, M511I, M576I.
Identifiers: ClinVar variation 1987042 (VCV001987042.5), dbSNP rs372583596, ClinGen allele CA10410806.